The following is an entry in ClinVar:

NM_001267550.2(TTN):c.45349+1G>A

Genes: TTN (titin; minus strand), LOC126806427 (BRD4-independent group 4 enhancer GRCh37_chr2:179485777-179486976; plus strand). Cytogenetic location: 2q31.2.
Variant type: single nucleotide variant.
Coding change: c.45349+1G>A on transcript NM_001267550.2 (MANE Select); the canonical splice donor site of the intron after coding-DNA position 45349, G replaced by A.
Molecular consequence: splice donor variant.
Genome position (GRCh38, 1-based): chr2:178,621,474, C>T on the plus strand (G>A on the coding strand, the complement: TTN is on the minus strand). VCF-style: chr2-178621474-C-T. GRCh37 (hg19) VCF-style: chr2-179486201-C-T.
Other names: c.18154+1G>A (NM_003319.4); c.18730+1G>A (NM_133437.4); c.18529+1G>A (NM_133432.3); c.37645+1G>A (NM_133378.4); c.40426+1G>A (NM_001256850.1).
Identifiers: ClinVar variation 1063981 (VCV001063981.9), dbSNP rs2154211977, ClinGen allele CA349635036.
Genomic context (GRCh38, chr2:178,621,474, plus strand): 5'-CTTTAAATCTAGCAAGTGTGAATTGTTAGAAATAAAAGATTATTCACTGTAGTTTTCATA[C>T]CATGTACTTTGACTTTGCCATCGGTTCGAGAGCTTGGGAGTCGACAGTTGTAGTTGCCAG-3'

ClinVar aggregate classification (germline): Likely pathogenic (1 of 4 stars; one submission).

Conditions:
Dilated cardiomyopathy 1G (CMD1G). Identifiers: Orphanet 154, MedGen C1858763, MONDO:0011400, OMIM 604145.
Autosomal recessive limb-girdle muscular dystrophy type 2J (LGMDR10). Also called: Limb-girdle muscular dystrophy, type 2J; MUSCULAR DYSTROPHY, LIMB-GIRDLE, AUTOSOMAL RECESSIVE 10. Identifiers: Orphanet 140922, MedGen C1837342, MONDO:0012127, OMIM 608807.

Submission:

Labcorp Genetics (formerly Invitae), Labcorp
Classification: Likely pathogenic for Dilated cardiomyopathy 1G; Autosomal recessive limb-girdle muscular dystrophy type 2J. Last evaluated: 2024-10-18. Review status: criteria provided, single submitter. Criteria: Invitae Variant Classification Sherloc (09022015). Collection method: clinical testing. Allele origin: germline.
Comment: This sequence change affects a donor splice site in intron 245 of the TTN gene. It is expected to disrupt RNA splicing and likely results in a truncated or disrupted TTN protein. This variant is not present in population databases (gnomAD no frequency). This variant has not been observed in the literature in individuals with autosomal recessive TTN-related conditions. This variant has been reported in individual(s) with autosomal dominant dilated cardiomyopathy and/or cardio-related conditions (PMID: 31317183, 31691645); however, the role of the variant in this condition is currently unclear. ClinVar contains an entry for this variant (Variation ID: 1063981). Algorithms developed to predict the effect of sequence changes on RNA splicing suggest that this variant may disrupt the consensus splice site. This variant is located in the I band of TTN (PMID: 25589632). Truncating variants in this region have been reported in individuals affected with autosomal recessive centronuclear myopathy (PMID: 23975875, internal data). Truncating variants in this region have also been identified in individuals affected with autosomal dominant dilated cardiomyopathy and/or cardio-related conditions (PMID: 27869827, 32964742, internal data). In summary, the currently available evidence indicates that the variant is pathogenic, but additional data are needed to prove that conclusively. Therefore, this variant has been classified as Likely Pathogenic.

Literature cited by the submitters: PubMed 31317183; PubMed 31691645; PubMed 25589632; PubMed 23975875; PubMed 27869827; PubMed 32964742.